The following is an entry in ClinVar:

ClinVar aggregate classification (germline): Conflicting classifications of pathogenicity. Review status: criteria provided, conflicting classifications (1 of 4 stars). 3 submissions from 3 submitters: Likely pathogenic (1); Uncertain significance (2). Last evaluated 2025-09-10.

Conditions:
Inborn genetic diseases. Identifiers: MedGen C0950123, MeSH D030342.
Ataxia-pancytopenia syndrome (ATXPC). Also called: SAMD9L Ataxia-Pancytopenia Syndrome; SAMD9L-Related Syndrome. Identifiers: Orphanet 2585, MedGen C1327919, MONDO:0008038, OMIM 159550.

gnomAD v4.1: 2 of 1,613,154 alleles (0.00012%); highest among the groups gnomAD compares: South Asian, 0.0011%; no homozygotes.

Submissions (3):

Genomic Medicine Center of Excellence, King Faisal Specialist Hospital and Research Centre
Classification: Likely pathogenic for Ataxia-pancytopenia syndrome. Last evaluated: 2025-09-10. Review status: criteria provided, single submitter. Criteria: ACMG Guidelines, 2015. Collection method: clinical testing. Allele origin: germline.

Ambry Genetics
Classification: Uncertain significance for Inborn genetic diseases. Last evaluated: 2024-12-08. Review status: criteria provided, single submitter. Criteria: Ambry Variant Classification Scheme 2023. Collection method: clinical testing. Allele origin: germline.
Comment: The p.K878E variant (also known as c.2632A>G), located in coding exon 1 of the SAMD9L gene, results from an A to G substitution at nucleotide position 2632. The lysine at codon 878 is replaced by glutamic acid, an amino acid with similar properties. This amino acid position is conserved. In addition, this alteration is predicted to be tolerated by in silico analysis. Based on the available evidence, the clinical significance of this variant remains unclear.

GeneDx
Classification: Uncertain significance. Last evaluated: 2024-01-17. Review status: criteria provided, single submitter. Criteria: GeneDx Variant Classification Process June 2021. Collection method: clinical testing. Allele origin: germline. Affected: yes.
Comment: Not observed at significant frequency in large population cohorts (gnomAD); In silico analysis supports that this missense variant does not alter protein structure/function; Has not been previously published as pathogenic or benign to our knowledge; This variant is associated with the following publications: (PMID: 28545555)

NM_152703.5(SAMD9L):c.2632A>G (p.Lys878Glu)

Gene: SAMD9L (sterile alpha motif domain containing 9 like; minus strand). Cytogenetic location: 7q21.2.
Variant type: single nucleotide variant.
Coding change: c.2632A>G on transcript NM_152703.5 (MANE Select); coding-DNA position 2632, A replaced by G.
Protein change: p.Lys878Glu; replaces lysine 878 with glutamic acid.
Molecular consequence: missense variant.
Genome position (GRCh38, 1-based): chr7:93,133,340, T>C on the plus strand (A>G on the coding strand, the complement: SAMD9L is on the minus strand). VCF-style: chr7-93133340-T-C. GRCh37 (hg19) VCF-style: chr7-92762653-T-C.
Other names: c.2632A>G (NM_152703.2); c.2632A>G, p.Lys878Glu (NM_001303496.3, NM_001303497.3, NM_001303498.3 and 5 more transcripts); short protein forms K878E.
Identifiers: ClinVar variation 3367969 (VCV003367969.3).